The following is an entry in ClinVar:

NM_001077350.3(NPRL3):c.119G>A (p.Ser40Asn)

Genes: HBA-LCR (alpha-globin locus control region; plus strand), NPRL3 (NPR3 like, GATOR1 complex subunit; minus strand). Cytogenetic location: 16p13.3.
Variant type: single nucleotide variant.
Coding change: c.119G>A on transcript NM_001077350.3 (MANE Select); coding-DNA position 119, G replaced by A.
Protein change: p.Ser40Asn; replaces serine 40 with asparagine.
Molecular consequence: missense variant. On other transcripts: 5 prime UTR variant (2).
Genome position (GRCh38, 1-based): chr16:130,591, C>T on the plus strand (G>A on the coding strand, the complement: NPRL3 is on the minus strand). VCF-style: chr16-130591-C-T. GRCh37 (hg19) VCF-style: chr16-180590-C-T.
Other names: c.-214G>A (NM_001039476.3); c.-253G>A (NM_001243247.2); c.119G>A, p.Ser40Asn (NM_001243248.2, NM_001243249.2); c.119G>A (NM_001077350.2); short protein forms S40N.
Identifiers: ClinVar variation 1989921 (VCV001989921.5), dbSNP rs1277893899, ClinGen allele CA393997960.

ClinVar aggregate classification (germline): Conflicting classifications of pathogenicity. Review status: criteria provided, conflicting classifications (1 of 4 stars). 2 submissions from 2 submitters: Uncertain significance (1); Likely benign (1). Last evaluated 2025-09-27.

Conditions:
Inborn genetic diseases. Identifiers: MedGen C0950123, MeSH D030342.
Epilepsy, familial focal, with variable foci 3 (FFEVF3). Identifiers: MedGen C4310708, MONDO:0014925, OMIM 617118.

Allele frequency attached by ClinVar (database versions not stated): gnomAD exomes below 0.00001; gnomAD 0.00001.
gnomAD v4.1: 8 of 1,553,696 alleles (0.00051%); highest among the groups gnomAD compares: Non-Finnish European, 0.00052%; no homozygotes.

Submissions (2):

Ambry Genetics
Classification: Likely benign for Inborn genetic diseases. Last evaluated: 2025-09-27. Review status: criteria provided, single submitter. Criteria: Ambry Variant Classification Scheme 2023. Collection method: clinical testing. Allele origin: germline.

Labcorp Genetics (formerly Invitae), Labcorp
Classification: Uncertain significance for Epilepsy, familial focal, with variable foci 3. Last evaluated: 2022-06-18. Review status: criteria provided, single submitter. Criteria: Invitae Variant Classification Sherloc (09022015). Collection method: clinical testing. Allele origin: germline.
Comment: Experimental studies and prediction algorithms are not available or were not evaluated, and the functional significance of this variant is currently unknown. This variant is present in population databases (no rsID available, gnomAD 0.001%). This variant has not been reported in the literature in individuals affected with NPRL3-related conditions. In summary, the available evidence is currently insufficient to determine the role of this variant in disease. Therefore, it has been classified as a Variant of Uncertain Significance. This sequence change replaces serine, which is neutral and polar, with asparagine, which is neutral and polar, at codon 40 of the NPRL3 protein (p.Ser40Asn).